The following is an entry in ClinVar:

ClinVar aggregate classification (germline): Pathogenic (0 of 4 stars; one submission).

Submission:

Quest Diagnostics Nichols Institute San Juan Capistrano
Classification: Pathogenic. Last evaluated: 2021-02-01. Review status: no assertion criteria provided. Collection method: clinical testing. Allele origin: germline.
Comment: The copy number loss of 14q32.31q32.33 largely overlaps the terminal region of 14q, deletions of which are associated with a recognizable 14q32.3 terminal deletion syndrome. The common clinical findings include growth delay, microcephaly, high forehead with lateral hypertrichosis, blepharophimosis, epicanthic folds, broad nasal bridge, high arched palate, single palmar crease, muscular hypotonia, congenital heart defects, genitourinary malformations, coloboma and mild to moderate developmental delay/intellectual disability (Ortigas et al., J Med Genet. 1997 Jun;34(6):515-7;. PMID: 9192277; van Karnebeek, et al., Am J Med Genet. 2002 Jun 1;110(1):65-72. PMID: 12116274; Maurin et al. Am J Med Genet A. 2006 Nov 1;140(21):2324-9. PMID: 17022077). More recent reports propose a small region critical for certain features of the terminal deletion 14q syndrome, along with multiple critical phenotype genes (Engels, et al., Am J Med Genet A. 2012 Apr;158A(4):695-706. PMID: 22367666. Holder, et al., Am J Med Genet A. 2012 Aug;158A(8):1962-6. PMID: 22488736). The proposed critical region and the critical genes of CRIP2, MTA1, and TMEM121 are encompassed by this copy number loss. Particularly , Youngs et al reported a similar 4.16 Mb deletion as the current case in a patient with developmental delay, hypotonia, and a particular face (Youngs et al., Clin Dysmorphol. 2011 Jul;20(3):143-7. PMID: 21358539). The present deletion also includes other genes associated with autosomal dominant OMIM phenotypes: DYNC1H1 (OMIM 158600, OMIM 614563, OMIM 614228), INF2 (OMIM 614455), PACS2 (OMIM 618067). Thus, the clinical significance of this deletion is pathogenic.

GRCh37/hg19 14q32.31-32.33(chr14:101593860-106160500)x1

Genes: MIR203A (microRNA 203a; plus strand), MOK (MOK protein kinase; minus strand), MTA1 (metastasis associated 1; plus strand), NUDT14 (nudix hydrolase 14; minus strand), PACS2 (phosphofurin acidic cluster sorting protein 2; plus strand) and 57 more. Cytogenetic location: 14q32.31-32.33.
Variant type: copy number loss.
Change: copy number 1 (one copy instead of two) of chr14:101,593,860-106,160,500 (4.57 Mb, GRCh37 coordinates, 1-based), cytogenetic band 14q32.31-32.33.
Identifiers: ClinVar variation 1341203 (VCV001341203.1).